The following is an entry in ClinVar:

ClinVar aggregate classification (germline): Benign. Review status: criteria provided, multiple submitters, no conflicts (2 of 4 stars). 5 submissions from 4 submitters: Benign (5). Last evaluated 2021-10-19.

Conditions:
Cholestasis, intrahepatic, of pregnancy, 3. Identifiers: Orphanet 69665, MedGen C3554241, MONDO:0013995, OMIM 614972.
Progressive familial intrahepatic cholestasis type 3. Also called: MDR3 DEFICIENCY; Low Gamma-GT Familial Intrahepatic Cholestasis. Identifiers: Orphanet 79305, MedGen C1865643, MONDO:0011214, OMIM 602347.

Allele frequency attached by ClinVar (database versions not stated): gnomAD exomes 0.00116 and 0.00294; ExAC 0.00364; 1000 Genomes Project 0.00839; 1000 Genomes Project 30x 0.00921; gnomAD 0.01126 and 0.01231; TOPMed 0.01247; ESP Exome Variant Server 0.01330.
gnomAD v4.1: 3,459 of 1,614,078 alleles (0.21%); highest among the groups gnomAD compares: African/African-American, 4.1%; 70 homozygotes.

Submissions (5):

Mayo Clinic Laboratories, Mayo Clinic
Classification: Benign. Last evaluated: 2021-10-19. Review status: criteria provided, single submitter. Criteria: ACMG Guidelines, 2015. Collection method: clinical testing. Allele origin: germline. Observed: 9 variant alleles.
Comment: BA1, BP4

Illumina Laboratory Services, Illumina
Classification: Benign for Progressive familial intrahepatic cholestasis type 3. Last evaluated: 2018-01-12. Review status: criteria provided, single submitter. Criteria: ICSL Variant Classification Criteria 13 December 2019. Collection method: clinical testing. Allele origin: germline.
Comment: This variant was observed in the ICSL laboratory as part of a predisposition screen in an ostensibly healthy population. It had not been previously curated by ICSL or reported in the Human Gene Mutation Database (HGMD: prior to June 1st, 2018), and was therefore a candidate for classification through an automated scoring system. Utilizing variant allele frequency, disease prevalence and penetrance estimates, and inheritance mode, an automated score was calculated to assess if this variant is too frequent to cause the disease. Based on the score and internal cut-off values, a variant classified as benign is not then subjected to further curation. The score for this variant resulted in a classification of benign for this disease.

Illumina Laboratory Services, Illumina
Classification: Benign for Cholestasis, intrahepatic, of pregnancy, 3. Last evaluated: 2018-01-12. Review status: criteria provided, single submitter. Criteria: ICSL Variant Classification Criteria 13 December 2019. Collection method: clinical testing. Allele origin: germline.
Comment: the same text as in the submission from Illumina Laboratory Services, Illumina above.

GeneDx
Classification: Benign. Last evaluated: 2016-07-13. Review status: criteria provided, single submitter. Criteria: GeneDx Variant Classification (06012015). Collection method: clinical testing. Allele origin: germline. Affected: yes.
Comment: This variant is considered likely benign or benign based on one or more of the following criteria: it is a conservative change, it occurs at a poorly conserved position in the protein, it is predicted to be benign by multiple in silico algorithms, and/or has population frequency not consistent with disease.

Breakthrough Genomics
Classification: Benign. Review status: criteria provided, single submitter. Criteria: ACMG Guidelines, 2015. Collection method: not provided. Allele origin: germline. Inheritance: Autosomal recessive inheritance. Affected: yes.

NM_000443.4(ABCB4):c.-6-4T>C

Genes: ABCB4 (ATP binding cassette subfamily B member 4; minus strand), LOC129998756 (ATAC-STARR-seq lymphoblastoid silent region 18347; plus strand). Cytogenetic location: 7q21.12.
Variant type: single nucleotide variant.
Coding change: c.-6-4T>C on transcript NM_000443.4 (MANE Select); 4 bases into the intron before 6 bases upstream of the start codon, T replaced by C.
Molecular consequence: intron variant.
Genome position (GRCh38, 1-based): chr7:87,475,475, A>G on the plus strand (T>C on the coding strand, the complement: ABCB4 is on the minus strand). VCF-style: chr7-87475475-A-G. GRCh37 (hg19) VCF-style: chr7-87104791-A-G.
Other names: c.-6-4T>C (NM_018850.3, NM_018849.3).
Identifiers: ClinVar variation 360804 (VCV000360804.7), dbSNP rs8187785, ClinGen allele CA4327662.